The following is an entry in ClinVar:

NM_183075.3(CYP2U1):c.1631G>A (p.Arg544Lys)

Gene: CYP2U1 (cytochrome P450 family 2 subfamily U member 1; plus strand). Cytogenetic location: 4q25.
Variant type: single nucleotide variant.
Coding change: c.1631G>A on transcript NM_183075.3 (MANE Select); coding-DNA position 1631, G replaced by A.
Protein change: p.Arg544Lys; replaces arginine 544 with lysine.
Molecular consequence: missense variant.
Genome position (GRCh38, 1-based): chr4:107,950,419, G>A. VCF-style: chr4-107950419-G-A. GRCh37 (hg19) VCF-style: chr4-108871575-G-A.
Other names: p.Arg544Lys; short protein forms R544K.
Identifiers: ClinVar variation 3379557 (VCV003379557.1).

ClinVar aggregate classification (germline): Uncertain significance (1 of 4 stars; one submission).

gnomAD v4.1: 44 of 1,601,748 alleles (0.0027%); highest among the groups gnomAD compares: South Asian, 0.042%; no homozygotes.

Submission:

Mayo Clinic Laboratories, Mayo Clinic
Classification: Uncertain significance. Last evaluated: 2024-08-19. Review status: criteria provided, single submitter. Criteria: ACMG Guidelines, 2015. Collection method: clinical testing. Allele origin: germline. Observed: 1 variant allele.
Comment: PM2